The following is an entry in ClinVar:

NM_001270.4(CHD1):c.812T>A (p.Phe271Tyr)

Gene: CHD1 (chromodomain helicase DNA binding protein 1; minus strand). Cytogenetic location: 5q21.1.
Variant type: single nucleotide variant.
Coding change: c.812T>A on transcript NM_001270.4 (MANE Select); coding-DNA position 812, T replaced by A.
Protein change: p.Phe271Tyr; replaces phenylalanine 271 with tyrosine.
Molecular consequence: missense variant. On other transcripts: non-coding transcript variant (2).
Genome position (GRCh38, 1-based): chr5:98,900,858, A>T on the plus strand (T>A on the coding strand, the complement: CHD1 is on the minus strand). VCF-style: chr5-98900858-A-T. GRCh37 (hg19) VCF-style: chr5-98236562-A-T.
Other names: c.812T>A, p.Phe271Tyr (NM_001364113.3, NM_001376194.2); short protein forms F271Y.
Identifiers: ClinVar variation 4881126 (VCV004881126.2).
Genomic context (GRCh38, chr5:98,900,858, plus strand): 5'-TTTTAAAAACTACCTCCTTTTCTCCCAATCCGACAATCCATAAATCTTTCTATGGTTTCA[A>T]ATTCCTCTTCCTCAGGTTGAGGAACATCCTCTCCACAGACTTCCAGTAGGTCATCAGAAT-3'
Protein context (NP_001261.2, residues 261-281): EDVPQPEEEE[Phe271Tyr]ETIERFMDCR

ClinVar aggregate classification (germline): Uncertain significance (1 of 4 stars; one submission).

Submission:

Dasa
Classification: Uncertain significance. Last evaluated: 2024-12-20. Review status: criteria provided, single submitter. Criteria: DASA Assertion Criteria. Collection method: clinical testing. Allele origin: germline.
Comment: NM_001270.4(CHD1):c.812T>A (p.Phe271Tyr) is a missense variant that results in the substitution of phenylalanine with tyrosine. This variant is absent from population databases. The currently available literature and clinical evidence are not sufficient to establish a definitive association between this variant and the reported condition. Therefore, this variant is classified as a variant of uncertain significance.